The following is an entry in ClinVar:

NM_005356.5(LCK):c.1126del (p.Thr375_Leu376insTer)

Gene: LCK (LCK proto-oncogene, Src family tyrosine kinase; plus strand). Cytogenetic location: 1p35.2.
Variant type: Deletion.
Coding change: c.1126del on transcript NM_005356.5 (MANE Select); coding-DNA position 1126, one base deleted (C; older notation c.1126delC).
Protein change: p.Thr375_Leu376insTer.
Molecular consequence: nonsense.
Genome position (GRCh38, 1-based): chr1:32,279,925, C deleted; the last of 3 consecutive C bases (chr1:32,279,923-32,279,925); deleting any one gives the same sequence. VCF-style (leftmost placement, unchanged base first): chr1-32279922-AC-A. GRCh37 (hg19) VCF-style: chr1-32745523-AC-A.
Other names: c.1126del, p.Thr375_Leu376insTer (NM_001042771.3); c.973del, p.Thr324_Leu325insTer (NM_001330468.2).
Identifiers: ClinVar variation 2858686 (VCV002858686.3), dbSNP rs2521697784, ClinGen allele CA2739272447.
Genomic context (GRCh38, chr1:32,279,922, plus strand): 5'-ATTGAAGAGCGGAATTATATTCATCGTGACCTTCGGGCTGCCAACATTCTGGTGTCTGAC[AC>A]CCTGAGCTGCAAGATTGCAGACTTTGGCCTAGCACGCCTCATTGAGGACAACGAGTACAC-3'

ClinVar aggregate classification (germline): Pathogenic (1 of 4 stars; one submission).

Conditions:
Severe combined immunodeficiency due to LCK deficiency. Also called: Immunodeficiency 22. Identifiers: Orphanet 280142, MedGen C4014233, MONDO:0014334, OMIM 615758.

Submission:

Labcorp Genetics (formerly Invitae), Labcorp
Classification: Pathogenic for Severe combined immunodeficiency due to LCK deficiency. Last evaluated: 2024-01-15. Review status: criteria provided, single submitter. Criteria: Invitae Variant Classification Sherloc (09022015). Collection method: clinical testing. Allele origin: germline.
Comment: This sequence change creates a premature translational stop signal (p.Leu376*) in the LCK gene. It is expected to result in an absent or disrupted protein product. Loss-of-function variants in LCK are known to be pathogenic (PMID: 22985903, 27087313). This variant is not present in population databases (gnomAD no frequency). This variant has not been reported in the literature in individuals affected with LCK-related conditions. For these reasons, this variant has been classified as Pathogenic.

Literature cited by the submitters: PubMed 22985903; PubMed 27087313.